The following is an entry in ClinVar:

ClinVar aggregate classification (germline): Uncertain significance (1 of 4 stars; one submission).

Conditions:
Holoprosencephaly 3 (HPE3). Identifiers: Orphanet 2162, MedGen C1840529, MONDO:0007733, OMIM 142945.

gnomAD v4.1: 3 of 152,112 alleles (0.002%); highest among the groups gnomAD compares: Admixed American, 0.0065%; no homozygotes.

Submission:

Labcorp Genetics (formerly Invitae), Labcorp
Classification: Uncertain significance for Holoprosencephaly 3. Last evaluated: 2024-02-20. Review status: criteria provided, single submitter. Criteria: Invitae Variant Classification Sherloc (09022015). Collection method: clinical testing. Allele origin: germline.
Comment: This variant occurs in a non-coding region of the SHH gene. It does not change the encoded amino acid sequence of the SHH protein. This variant is present in population databases (no rsID available, gnomAD 0.1%). This variant has not been reported in the literature in individuals affected with SHH-related conditions. Experimental studies and prediction algorithms are not available or were not evaluated, and the functional significance of this variant is currently unknown. In summary, the available evidence is currently insufficient to determine the role of this variant in disease. Therefore, it has been classified as a Variant of Uncertain Significance.

NC_000007.14:g.156769353G>A

Genes: LMBR1 (limb development membrane protein 1; minus strand), SHH (sonic hedgehog signaling molecule; minus strand). Cytogenetic location: 7q36.3.
Variant type: single nucleotide variant.
Molecular consequence: intron variant (on NM_022458.4).
Genome position: GRCh38 VCF-style: chr7-156769353-G-A. GRCh37 (hg19) VCF-style: chr7-156562047-G-A.
Other names: c.361-5558C>T (NM_001363412.2); c.145-5558C>T (NM_001350954.2); c.424-5558C>T (NM_001363410.2, NM_022458.4, NM_001363409.2 and 1 more transcripts); c.-33-5558C>T (NM_001350958.2, NM_001350956.2, NM_001350955.2 and 1 more transcripts); c.55-5558C>T (NM_001350957.2, NM_001363411.2).
Identifiers: ClinVar variation 3699744 (VCV003699744.2).